The following is an entry in ClinVar:

NM_019066.5(MAGEL2):c.1160T>G (p.Leu387Arg)

Gene: MAGEL2 (MAGE family member L2; minus strand). Cytogenetic location: 15q11.2.
Variant type: single nucleotide variant.
Coding change: c.1160T>G on transcript NM_019066.5 (MANE Select); coding-DNA position 1160, T replaced by G.
Protein change: p.Leu387Arg; replaces leucine 387 with arginine.
Molecular consequence: missense variant.
Genome position (GRCh38, 1-based): chr15:23,646,583, A>C on the plus strand (T>G on the coding strand, the complement: MAGEL2 is on the minus strand). VCF-style: chr15-23646583-A-C. GRCh37 (hg19) VCF-style: chr15-23891730-A-C.
Other names: short protein forms L387R.
Identifiers: ClinVar variation 5001252 (VCV005001252.1).

ClinVar aggregate classification (germline): Uncertain significance (1 of 4 stars; one submission).

Conditions:
MAGEL2-related disorder. Also called: MAGEL2-related condition.

Submission:

PreventionGenetics, part of Exact Sciences
Classification: Uncertain significance for MAGEL2-related condition. Last evaluated: 2025-04-19. Review status: criteria provided, single submitter. Criteria: ACMG Guidelines, 2015. Collection method: clinical testing. Allele origin: germline.
Comment: The MAGEL2 c.1160T>G variant is predicted to result in the amino acid substitution p.Leu387Arg. To our knowledge, this variant has not been reported in the literature or in a large population database (gnomAD), indicating this variant is rare. At this time, the clinical significance of this variant is uncertain due to the absence of conclusive functional and genetic evidence.